The following is an entry in ClinVar:

NM_001365088.1(SLC12A6):c.2810G>A (p.Arg937Gln)

Gene: SLC12A6 (solute carrier family 12 member 6; minus strand). Cytogenetic location: 15q14.
Variant type: single nucleotide variant.
Coding change: c.2810G>A on transcript NM_001365088.1 (MANE Select); coding-DNA position 2810, G replaced by A.
Protein change: p.Arg937Gln; replaces arginine 937 with glutamine.
Molecular consequence: missense variant.
Genome position (GRCh38, 1-based): chr15:34,237,543, C>T on the plus strand (G>A on the coding strand, the complement: SLC12A6 is on the minus strand). VCF-style: chr15-34237543-C-T. GRCh37 (hg19) VCF-style: chr15-34529744-C-T.
Other names: c.2633G>A, p.Arg878Gln (NM_001042494.2, NM_001042495.2); c.2783G>A, p.Arg928Gln (NM_001042496.2); c.2765G>A, p.Arg922Gln (NM_001042497.2); c.2657G>A, p.Arg886Gln (NM_005135.2); c.2810G>A, p.Arg937Gln (NM_133647.2); short protein forms R937Q, R886Q, R922Q, R878Q, R928Q.
Identifiers: ClinVar variation 1926986 (VCV001926986.3), dbSNP rs751727012, ClinGen allele CA7463989.
Genomic context (GRCh38, chr15:34,237,543, plus strand): 5'-TTCATTTGGATACTGTTGTCTTCTAATTGGGCTACTGTGAAGATCCGTATGCTGCACTTT[C>T]GCCACACCTGAGAGAGTGACATACACATGTGAAAAATTAGAGCAAGGAGGCAAAAAAGGT-3'
Protein context (NP_001352017.1, residues 927-947): PFLLKQHKVW[Arg937Gln]KCSIRIFTVA

ClinVar aggregate classification (germline): Uncertain significance (1 of 4 stars; one submission).

Allele frequency attached by ClinVar (database versions not stated): gnomAD exomes 0.00001; ExAC 0.00002; gnomAD 0.00003; TOPMed 0.00003.
gnomAD v4.1: 24 of 1,611,876 alleles (0.0015%); highest among the groups gnomAD compares: East Asian, 0.011%; no homozygotes.

Submission:

Labcorp Genetics (formerly Invitae), Labcorp
Classification: Uncertain significance. Last evaluated: 2024-05-29. Review status: criteria provided, single submitter. Criteria: Invitae Variant Classification Sherloc (09022015). Collection method: clinical testing. Allele origin: germline.
Comment: This sequence change replaces arginine, which is basic and polar, with glutamine, which is neutral and polar, at codon 937 of the SLC12A6 protein (p.Arg937Gln). This variant is present in population databases (rs751727012, gnomAD 0.02%). This variant has not been reported in the literature in individuals affected with SLC12A6-related conditions. ClinVar contains an entry for this variant (Variation ID: 1926986). Advanced modeling of protein sequence and biophysical properties (such as structural, functional, and spatial information, amino acid conservation, physicochemical variation, residue mobility, and thermodynamic stability) performed at Invitae indicates that this missense variant is not expected to disrupt SLC12A6 protein function with a negative predictive value of 80%. In summary, the available evidence is currently insufficient to determine the role of this variant in disease. Therefore, it has been classified as a Variant of Uncertain Significance.